The following is an entry in ClinVar:

ClinVar aggregate classification (germline): Uncertain significance (1 of 4 stars; one submission).

Conditions:
Aortic valve disease 2 (AOVD2). Identifiers: MedGen C3542024, MONDO:0013902, OMIM 614823.

Submission:

Labcorp Genetics (formerly Invitae), Labcorp
Classification: Uncertain significance for Aortic valve disease 2. Last evaluated: 2022-09-23. Review status: criteria provided, single submitter. Criteria: Invitae Variant Classification Sherloc (09022015). Collection method: clinical testing. Allele origin: germline.
Comment: This sequence change replaces tryptophan, which is neutral and slightly polar, with cysteine, which is neutral and slightly polar, at codon 331 of the SMAD6 protein (p.Trp331Cys). This variant is not present in population databases (gnomAD no frequency). This variant has not been reported in the literature in individuals affected with SMAD6-related conditions. Advanced modeling of protein sequence and biophysical properties (such as structural, functional, and spatial information, amino acid conservation, physicochemical variation, residue mobility, and thermodynamic stability) performed at Invitae indicates that this missense variant is expected to disrupt SMAD6 protein function. In summary, the available evidence is currently insufficient to determine the role of this variant in disease. Therefore, it has been classified as a Variant of Uncertain Significance.

NM_005585.5(SMAD6):c.993G>C (p.Trp331Cys)

Gene: SMAD6 (SMAD family member 6; plus strand). Cytogenetic location: 15q22.31.
Variant type: single nucleotide variant.
Coding change: c.993G>C on transcript NM_005585.5 (MANE Select); coding-DNA position 993, G replaced by C.
Protein change: p.Trp331Cys; replaces tryptophan 331 with cysteine.
Molecular consequence: missense variant. On other transcripts: non-coding transcript variant (1).
Genome position (GRCh38, 1-based): chr15:66,781,037, G>C. VCF-style: chr15-66781037-G-C. GRCh37 (hg19) VCF-style: chr15-67073375-G-C.
Other names: short protein forms W331C.
Identifiers: ClinVar variation 1981384 (VCV001981384.4), dbSNP rs902973487, ClinGen allele CA393201633.